The following is an entry in ClinVar:

NM_004463.3(FGD1):c.1204C>T (p.Arg402Trp)

Gene: FGD1 (FYVE, RhoGEF and PH domain containing 1; minus strand). Cytogenetic location: Xp11.22.
Variant type: single nucleotide variant.
Coding change: c.1204C>T on transcript NM_004463.3 (MANE Select); coding-DNA position 1204, C replaced by T.
Protein change: p.Arg402Trp; replaces arginine 402 with tryptophan.
Molecular consequence: missense variant.
Genome position (GRCh38, 1-based): chrX:54,467,920, G>A on the plus strand (C>T on the coding strand, the complement: FGD1 is on the minus strand). VCF-style: chrX-54467920-G-A. GRCh37 (hg19) VCF-style: chrX-54494353-G-A.
Other names: short protein forms R402W.
Identifiers: ClinVar variation 3356860 (VCV003356860.1).

ClinVar aggregate classification (germline): Pathogenic (0 of 4 stars; one submission).

Conditions:
FGD1-related disorder. Also called: FGD1-related condition; FGD1-related disorders.

Submission:

PreventionGenetics, part of Exact Sciences
Classification: Pathogenic for FGD1-related condition. Last evaluated: 2024-04-29. Review status: no assertion criteria provided. Collection method: clinical testing. Allele origin: germline.
Comment: The FGD1 c.1204C>T variant is predicted to result in the amino acid substitution p.Arg402Trp. This variant has been reported in four male individuals from a family with Aarskog-Scott syndrome (Verhoeven et al. 2012. PubMed ID: 22876573). An alternate substitution of this amino acid (p.Arg402Gln) has also been reported in an individual with Aarskog-Scott syndrome (Orrico et al 2010. PubMed ID: 20082460). This variant has not been reported in a large population database, indicating this variant is rare. This variant is interpreted as pathogenic.